The following is an entry in ClinVar:

NM_001276270.2(MBD4):c.1346_1348del (p.Asp449_Pro450delinsAla)

Gene: MBD4 (methyl-CpG binding domain 4, DNA glycosylase; minus strand). Cytogenetic location: 3q21.3.
Variant type: Deletion.
Coding change: c.1346_1348del on transcript NM_001276270.2 (MANE Select); coding-DNA positions 1346 to 1348, 3 bases deleted (ATC; older notation c.1346_1348delATC).
Protein change: p.Asp449_Pro450delinsAla.
Molecular consequence: inframe indel.
Genome position (GRCh38, 1-based): chr3:129,433,895-129,433,897, GAT deleted on the plus strand (ATC on the coding strand, the reverse complement: MBD4 is on the minus strand). VCF-style (leftmost placement, unchanged base first): chr3-129433894-GGAT-G. GRCh37 (hg19) VCF-style: chr3-129152737-GGAT-G.
Other names: c.1346_1348delATC (NM_001276270.2); c.1364_1366del, p.Asp455_Pro456delinsAla (NM_001276271.2, NM_001276272.2, NM_003925.3); c.410_412del, p.Asp137_Pro138delinsAla (NM_001276273.2).
Identifiers: ClinVar variation 4624391 (VCV004624391.1).

ClinVar aggregate classification (germline): Uncertain significance (1 of 4 stars; one submission).

Conditions:
Inborn genetic diseases. Identifiers: MedGen C0950123, MeSH D030342.

Submission:

Ambry Genetics
Classification: Uncertain significance for Inborn genetic diseases. Last evaluated: 2025-10-02. Review status: criteria provided, single submitter. Criteria: Ambry Variant Classification Scheme 2023. Collection method: clinical testing. Allele origin: germline.
Comment: The c.1346_1348delATC variant (also known as p.D449_P450delinsA) is located in coding exon 5 of the MBD4 gene. This variant results from an in-frame ATC deletion at nucleotide positions 1346 to 1348. This results in the deletion of 2 amino acids (DP) and the insertion of a new residue (A) at codons 449 and 450. These amino acid positions are highly conserved in available vertebrate species. In addition, this variant is predicted to be deleterious by in silico analysis (Choi Y et al. PLoS ONE. 2012; 7(10):e46688). Based on the available evidence, the clinical significance of this variant remains unclear.